The following is an entry in ClinVar:

NM_001846.4(COL4A2):c.4953C>T (p.Arg1651=)

Gene: COL4A2 (collagen type IV alpha 2 chain; plus strand). Cytogenetic location: 13q34.
Variant type: single nucleotide variant.
Coding change: c.4953C>T on transcript NM_001846.4 (MANE Select); coding-DNA position 4953, C replaced by T.
Protein change: p.Arg1651=; no amino-acid change (arginine 1651 retained).
Molecular consequence: synonymous variant.
Genome position (GRCh38, 1-based): chr13:110,512,005, C>T. VCF-style: chr13-110512005-C-T. GRCh37 (hg19) VCF-style: chr13-111164352-C-T.
Identifiers: ClinVar variation 765383 (VCV000765383.8), dbSNP rs773440120, ClinGen allele CA7050718.
Genomic context (GRCh38, chr13:110,512,005, plus strand): 5'-GGGAGACGAAGGCGGTGGCCAATCACTGGTGTCACCGGGCAGCTGTCTAGAGGACTTCCG[C>T]GCCACACCATTCATCGAATGCAATGGAGGCCGCGGCACCTGCCACTACTACGCCAACAAG-3'
Protein context (NP_001837.2, residues 1641-1661): VSPGSCLEDF[Arg1651=]ATPFIECNGG

ClinVar aggregate classification (germline): Likely benign. Review status: criteria provided, single submitter (1 of 4 stars). 2 submissions from 2 submitters: Likely benign (1). 1 of the submissions does not count toward it. Last evaluated 2023-10-05.

Conditions:
COL4A2-related disorder. Also called: COL4A2-related disorders; COL4A2-related condition.

Allele frequency attached by ClinVar (database versions not stated): gnomAD exomes below 0.00001 and 0.00001; ExAC 0.00001; TOPMed 0.00001; gnomAD 0.00003.
gnomAD v4.1: 17 of 1,613,472 alleles (0.0011%); highest among the groups gnomAD compares: Admixed American, 0.0017%; no homozygotes.

Submissions (2):

Labcorp Genetics (formerly Invitae), Labcorp
Classification: Likely benign. Last evaluated: 2023-10-05. Review status: criteria provided, single submitter. Criteria: Invitae Variant Classification Sherloc (09022015). Collection method: clinical testing. Allele origin: germline.

PreventionGenetics, part of Exact Sciences
Classification: Likely benign for COL4A2-related condition. Last evaluated: 2024-06-06. Review status: no assertion criteria provided. Collection method: clinical testing. Allele origin: germline. Not counted in ClinVar's aggregate classification.
Comment: This variant is classified as likely benign based on ACMG/AMP sequence variant interpretation guidelines (Richards et al. 2015 PMID: 25741868, with internal and published modifications).